The following is an entry in ClinVar:

ClinVar aggregate classification (germline): Uncertain significance. Review status: criteria provided, multiple submitters, no conflicts (2 of 4 stars). 3 submissions from 3 submitters: Uncertain significance (3). Last evaluated 2025-12-29.

Conditions:
Cardiovascular phenotype. Identifiers: MedGen CN230736.
Atrial fibrillation, familial, 14 (ATFB14). Identifiers: MedGen C3809312, MONDO:0014156, OMIM 615378.

Allele frequency attached by ClinVar (database versions not stated): gnomAD 0.00003; gnomAD exomes 0.00005 and 0.00008; TOPMed 0.00005; ExAC 0.00006; ESP Exome Variant Server 0.00008.
gnomAD v4.1: 118 of 1,614,088 alleles (0.0073%); highest among the groups gnomAD compares: Middle Eastern, 0.033%; no homozygotes.

Submissions (3):

Labcorp Genetics (formerly Invitae), Labcorp
Classification: Uncertain significance for Atrial fibrillation, familial, 14. Last evaluated: 2025-12-29. Review status: criteria provided, single submitter. Criteria: Invitae Variant Classification Sherloc (09022015). Collection method: clinical testing. Allele origin: germline.
Comment: This sequence change replaces valine, which is neutral and non-polar, with isoleucine, which is neutral and non-polar, at codon 40 of the SCN2B protein (p.Val40Ile). This variant is present in population databases (rs200761835, gnomAD 0.01%). This missense change has been observed in individual(s) with clinical features of Brugada syndrome (PMID: 26220970). ClinVar contains an entry for this variant (Variation ID: 191494). An algorithm developed to predict the effect of missense changes on protein structure and function outputs the following: PolyPhen-2: "Benign". The isoleucine amino acid residue is found in multiple mammalian species, which suggests that this missense change does not adversely affect protein function. In summary, the available evidence is currently insufficient to determine the role of this variant in disease. Therefore, it has been classified as a Variant of Uncertain Significance.

Ambry Genetics
Classification: Uncertain significance for Cardiovascular phenotype. Last evaluated: 2021-05-27. Review status: criteria provided, single submitter. Criteria: Ambry Variant Classification Scheme 2023. Collection method: clinical testing. Allele origin: germline.
Comment: The p.V40I variant (also known as c.118G>A), located in coding exon 2 of the SCN2B gene, results from a G to A substitution at nucleotide position 118. The valine at codon 40 is replaced by isoleucine, an amino acid with highly similar properties. This variant co-occurred with variants in other cardiac-related genes in an individual from a Brugada syndrome cohort, and has been reported as a secondary cardiac variant in an exome cohort; however, details were limited (Di Resta C et al. Hum Mol Genet, 2015 Oct;24:5828-35; Ng D et al. Circ Cardiovasc Genet, 2013 Aug;6:337-46). This amino acid position is not well conserved in available vertebrate species, and isoleucine is the reference amino acid in other vertebrate species. In addition, this alteration is predicted to be tolerated by in silico analysis. Since supporting evidence is limited at this time, the clinical significance of this alteration remains unclear.

Biesecker Lab/Clinical Genomics Section, National Institutes of Health
Classification: Uncertain significance. Last evaluated: 2013-06-24. Review status: criteria provided, single submitter. Criteria: Ng et al. (Circ Cardiovasc Genet. 2013). Collection method: research. Allele origin: unknown. Observed: 2 variant alleles. Study: ClinSeq.
Comment: The study set was not selected for affection status in relation to any cancer. Pathogenicity categories were based on literature curation. See Pubmed ID:23861362 for details.

Medical sequencing

Literature cited by the submitters: PubMed 26220970 (cited by Labcorp Genetics (formerly Invitae), Labcorp and Ambry Genetics); PubMed 23861362 (cited by Ambry Genetics).

NM_004588.5(SCN2B):c.118G>A (p.Val40Ile)

Gene: SCN2B (sodium voltage-gated channel beta subunit 2; minus strand). Cytogenetic location: 11q23.3.
Variant type: single nucleotide variant.
Coding change: c.118G>A on transcript NM_004588.5 (MANE Select); coding-DNA position 118, G replaced by A.
Protein change: p.Val40Ile; replaces valine 40 with isoleucine.
Molecular consequence: missense variant.
Genome position (GRCh38, 1-based): chr11:118,168,704, C>T on the plus strand (G>A on the coding strand, the complement: SCN2B is on the minus strand). VCF-style: chr11-118168704-C-T. GRCh37 (hg19) VCF-style: chr11-118039419-C-T.
Other names: short protein forms V40I.
Identifiers: ClinVar variation 191494 (VCV000191494.12), dbSNP rs200761835, ClinGen allele CA236788.